The following is an entry in ClinVar:

NM_000492.4(CFTR):c.1519A>T (p.Ile507Phe)

Genes: CFTR (CF transmembrane conductance regulator; plus strand), CFTR-AS1 (CFTR antisense RNA 1; minus strand). Cytogenetic location: 7q31.2.
Variant type: single nucleotide variant.
Coding change: c.1519A>T on transcript NM_000492.4 (MANE Select); coding-DNA position 1519, A replaced by T.
Protein change: p.Ile507Phe; replaces isoleucine 507 with phenylalanine.
Molecular consequence: missense variant.
Genome position (GRCh38, 1-based): chr7:117,559,590, A>T. VCF-style: chr7-117559590-A-T. GRCh37 (hg19) VCF-style: chr7-117199644-A-T.
Other names: short protein forms I507F.
Identifiers: ClinVar variation 526022 (VCV000526022.8), dbSNP rs1801178, ClinGen allele CA368984708.

ClinVar aggregate classification (germline): Likely pathogenic (1 of 4 stars; one submission).

Conditions:
Cystic fibrosis (CF). Also called: MUCOVISCIDOSIS. Identifiers: Orphanet 586, MedGen C0010674, MONDO:0009061, OMIM 219700. Disease mechanism: loss of function.

Submission:

Labcorp Genetics (formerly Invitae), Labcorp
Classification: Likely pathogenic for Cystic fibrosis. Last evaluated: 2017-12-04. Review status: criteria provided, single submitter. Criteria: Invitae Variant Classification Sherloc (09022015). Collection method: clinical testing. Allele origin: germline.
Comment: This finding is consistent with autosomal recessive inheritance, and suggests that this variant contributes to disease. An in-frame deletion of this codon (p.Ile507del) has been clearly defined as a cystic fibrosis causative allele (PMID: 23974870). This suggests that the isoleucine residue is critical for CFTR protein function and that other variants at this position may also be pathogenic. In summary, the currently available evidence indicates that the variant is pathogenic, but additional data are needed to prove that conclusively. Therefore, this variant has been classified as Likely Pathogenic. Algorithms developed to predict the effect of missense changes on protein structure and function do not agree on the potential impact of this missense change (SIFT: "Deleterious"; PolyPhen-2: "Possibly Damaging"; Align-GVGD: "Class C0"). This variant is not present in population databases (ExAC no frequency). This sequence change replaces isoleucine with phenylalanine at codon 507 of the CFTR protein (p.Ile507Phe). The isoleucine residue is moderately conserved and there is a small physicochemical difference between isoleucine and phenylalanine.

Literature cited by the submitters: PubMed 23974870.